The following is an entry in ClinVar:

NM_000883.4(IMPDH1):c.731C>T (p.Thr244Ile)

Gene: IMPDH1 (inosine monophosphate dehydrogenase 1; minus strand). Cytogenetic location: 7q32.1.
Variant type: single nucleotide variant.
Coding change: c.731C>T on transcript NM_000883.4 (MANE Select); coding-DNA position 731, C replaced by T.
Protein change: p.Thr244Ile; replaces threonine 244 with isoleucine.
Molecular consequence: missense variant.
Genome position (GRCh38, 1-based): chr7:128,400,388, G>A on the plus strand (C>T on the coding strand, the complement: IMPDH1 is on the minus strand). VCF-style: chr7-128400388-G-A. GRCh37 (hg19) VCF-style: chr7-128040442-G-A.
Other names: c.701C>T, p.Thr234Ile (NM_001102605.2); c.476C>T, p.Thr159Ile (NM_001142573.2); c.461C>T, p.Thr154Ile (NM_001142574.2); c.401C>T, p.Thr134Ile (NM_001142575.2); c.632C>T, p.Thr211Ile (NM_001142576.2); c.524C>T, p.Thr175Ile (NM_001304521.2); c.623C>T, p.Thr208Ile (NM_183243.3); short protein forms T154I, T208I, T244I, T211I, T134I, T159I, T175I, T234I.
Identifiers: ClinVar variation 4774517 (VCV004774517.1).
Genomic context (GRCh38, chr7:128,400,388, plus strand): 5'-GGTACCTCACTGAGGAGGGTGGTGTGGTCCTTCTCAGCAAGAAAGTCGATGTCTCGGGAG[G>A]TGACGATGCCCACCAGCTTGCTGCCCATGGTGCCCGTCTCAGTGATGGGGATGCCAGAGA-3'
Protein context (NP_000874.2, residues 234-254): TMGSKLVGIV[Thr244Ile]SRDIDFLAEK

ClinVar aggregate classification (germline): Uncertain significance (1 of 4 stars; one submission).

gnomAD v4.1: 1 of 1,612,824 alleles (0.000062%); highest among the groups gnomAD compares: Non-Finnish European, 0.000085%; no homozygotes.

Submission:

Labcorp Genetics (formerly Invitae), Labcorp
Classification: Uncertain significance. Last evaluated: 2025-05-28. Review status: criteria provided, single submitter. Criteria: Invitae Variant Classification Sherloc (09022015). Collection method: clinical testing. Allele origin: germline.
Comment: This sequence change replaces threonine, which is neutral and polar, with isoleucine, which is neutral and non-polar, at codon 244 of the IMPDH1 protein (p.Thr244Ile). This variant is not present in population databases (gnomAD no frequency). This variant has not been reported in the literature in individuals affected with IMPDH1-related conditions. An algorithm developed to predict the effect of missense changes on protein structure and function (PolyPhen-2) suggests that this variant is likely to be disruptive. In summary, the available evidence is currently insufficient to determine the role of this variant in disease. Therefore, it has been classified as a Variant of Uncertain Significance.